The following is an entry in ClinVar:

ClinVar aggregate classification (germline): Uncertain significance (1 of 4 stars; one submission).

Submission:

Labcorp Genetics (formerly Invitae), Labcorp
Classification: Uncertain significance. Last evaluated: 2022-04-26. Review status: criteria provided, single submitter. Criteria: Invitae Variant Classification Sherloc (09022015). Collection method: clinical testing. Allele origin: germline.
Comment: This sequence change replaces arginine, which is basic and polar, with serine, which is neutral and polar, at codon 148 of the SLC46A1 protein (p.Arg148Ser). In summary, the available evidence is currently insufficient to determine the role of this variant in disease. Therefore, it has been classified as a Variant of Uncertain Significance. Experimental studies and prediction algorithms are not available or were not evaluated, and the functional significance of this variant is currently unknown. This variant has not been reported in the literature in individuals affected with SLC46A1-related conditions. This variant is not present in population databases (gnomAD no frequency).

NM_080669.6(SLC46A1):c.442C>A (p.Arg148Ser)

Gene: SLC46A1 (solute carrier family 46 member 1; minus strand). Cytogenetic location: 17q11.2.
Variant type: single nucleotide variant.
Coding change: c.442C>A on transcript NM_080669.6 (MANE Select); coding-DNA position 442, C replaced by A.
Protein change: p.Arg148Ser; replaces arginine 148 with serine.
Molecular consequence: missense variant.
Genome position (GRCh38, 1-based): chr17:28,405,255, G>T on the plus strand (C>A on the coding strand, the complement: SLC46A1 is on the minus strand). VCF-style: chr17-28405255-G-T. GRCh37 (hg19) VCF-style: chr17-26732273-G-T.
Other names: c.442C>A, p.Arg148Ser (NM_001242366.3); short protein forms R148S.
Identifiers: ClinVar variation 1402281 (VCV001402281.6), dbSNP rs1555590854, ClinGen allele CA398351743.
Genomic context (GRCh38, chr17:28,405,255, plus strand): 5'-CGGACGCAAAGCTAGCAGCCAGAAGGCCACCGAAGTCGCCGAGGAGGGCACAAAGGATGC[G>T]ACCCAGCACGAAGTAGCCGACGTGGAGCTGCAGCTGCACCACAAAAACGGACACTAGGGC-3'
Protein context (NP_542400.2, residues 138-158): QLHVGYFVLG[Arg148Ser]ILCALLGDFG